The following is an entry in ClinVar:

NM_001394372.1(BICRA):c.4041A>G (p.Pro1347=)

Gene: BICRA (BRD4 interacting chromatin remodeling complex associated protein; plus strand). Cytogenetic location: 19q13.33.
Variant type: single nucleotide variant.
Coding change: c.4041A>G on transcript NM_001394372.1 (MANE Select); coding-DNA position 4041, A replaced by G.
Protein change: p.Pro1347=; no amino-acid change (proline 1347 retained).
Molecular consequence: synonymous variant.
Genome position (GRCh38, 1-based): chr19:47,701,773, A>G. VCF-style: chr19-47701773-A-G. GRCh37 (hg19) VCF-style: chr19-48205030-A-G.
Other names: c.4041A>G, p.Pro1347= (NM_015711.3).
Identifiers: ClinVar variation 2650185 (VCV002650185.24), dbSNP rs769275530, ClinGen allele CA9542368.
Genomic context (GRCh38, chr19:47,701,773, plus strand): 5'-GGACCCCGTGCACCAGCCCCCGCCACCCCCCGCTACCCTCAAGGTGGCCGAGCCCCCGCC[A>G]CGGCCGCCACCACCACCGCCGCCCACGGGCCAGATGAACGGCACGGTGGACCACCCGCCG-3'
Protein context (NP_001381301.1, residues 1337-1357): PATLKVAEPP[Pro1347=]RPPPPPPPTG

ClinVar aggregate classification (germline): Likely benign (1 of 4 stars; one submission).

Allele frequency attached by ClinVar (database versions not stated): gnomAD exomes 0.00003; gnomAD 0.00005; TOPMed 0.00005; ExAC 0.00009.
gnomAD v4.1: 45 of 1,504,816 alleles (0.003%); highest among the groups gnomAD compares: Admixed American, 0.014%; no homozygotes.

Submission:

CeGaT Center for Human Genetics Tuebingen
Classification: Likely benign. Last evaluated: 2025-07-01. Review status: criteria provided, single submitter. Criteria: CeGaT Center For Human Genetics Tuebingen Variant Classification Criteria Version 2. Collection method: clinical testing. Allele origin: germline. Affected: yes. Observed: 2 variant alleles.
Comment: BICRA: BP4, BP7